The following is an entry in ClinVar:

ClinVar aggregate classification (germline): Uncertain significance (1 of 4 stars; one submission).

Submission:

Ambry Genetics
Classification: Uncertain significance. Last evaluated: 2024-05-04. Review status: criteria provided, single submitter. Criteria: Ambry Variant Classification Scheme 2023. Collection method: clinical testing. Allele origin: germline.
Comment: The p.F47V variant (also known as c.139T>G), located in coding exon 3 of the RAD54L gene, results from a T to G substitution at nucleotide position 139. The phenylalanine at codon 47 is replaced by valine, an amino acid with highly similar properties. This amino acid position is conserved. In addition, the in silico prediction for this alteration is inconclusive. Based on the available evidence, the clinical significance of this variant remains unclear.

NM_003579.4(RAD54L):c.139T>G (p.Phe47Val)

Gene: RAD54L (RAD54 like; plus strand). Cytogenetic location: 1p34.1.
Variant type: single nucleotide variant.
Coding change: c.139T>G on transcript NM_003579.4 (MANE Select); coding-DNA position 139, T replaced by G.
Protein change: p.Phe47Val; replaces phenylalanine 47 with valine.
Molecular consequence: missense variant. On other transcripts: 5 prime UTR variant (1).
Genome position (GRCh38, 1-based): chr1:46,250,048, T>G. VCF-style: chr1-46250048-T-G. GRCh37 (hg19) VCF-style: chr1-46715720-T-G.
Other names: c.139T>G, p.Phe47Val (NM_001142548.2); c.-402T>G (NM_001370766.1); short protein forms F47V.
Identifiers: ClinVar variation 3312467 (VCV003312467.1).